The following is an entry in ClinVar:

ClinVar aggregate classification (germline): Uncertain significance (1 of 4 stars; one submission).

Submission:

Dasa
Classification: Uncertain significance. Last evaluated: 2026-05-11. Review status: criteria provided, single submitter. Criteria: DASA Assertion Criteria. Collection method: clinical testing. Allele origin: germline.
Comment: NM_001379200.1(TBX1):c.1012A>G (p.Thr338Ala) is a missense variant that results in the substitution of threonine with alanine. This variant is rare in population databases. The currently available literature and clinical evidence are not sufficient to establish a definitive association between this variant and the reported condition. Therefore, this variant is classified as a variant of uncertain significance.

NM_001379200.1(TBX1):c.1012A>G (p.Thr338Ala)

Gene: TBX1 (T-box transcription factor 1; plus strand). Cytogenetic location: 22q11.21.
Variant type: single nucleotide variant.
Coding change: c.1012A>G on transcript NM_001379200.1 (MANE Select); coding-DNA position 1012, A replaced by G.
Protein change: p.Thr338Ala; replaces threonine 338 with alanine.
Molecular consequence: missense variant.
Genome position (GRCh38, 1-based): chr22:19,765,978, A>G. VCF-style: chr22-19765978-A-G. GRCh37 (hg19) VCF-style: chr22-19753501-A-G.
Other names: c.985A>G, p.Thr329Ala (NM_005992.1, NM_080646.2, NM_080647.1); short protein forms T329A, T338A.
Identifiers: ClinVar variation 5020583 (VCV005020583.1).